The following is an entry in ClinVar:

NM_016169.4(SUFU):c.1015C>T (p.Arg339Trp)

Gene: SUFU (SUFU negative regulator of hedgehog signaling; plus strand). Cytogenetic location: 10q24.32.
Variant type: single nucleotide variant.
Coding change: c.1015C>T on transcript NM_016169.4 (MANE Select); coding-DNA position 1015, C replaced by T.
Protein change: p.Arg339Trp; replaces arginine 339 with tryptophan.
Molecular consequence: missense variant.
Genome position (GRCh38, 1-based): chr10:102,599,537, C>T. VCF-style: chr10-102599537-C-T. GRCh37 (hg19) VCF-style: chr10-104359294-C-T.
Other names: c.1015C>T, p.Arg339Trp (NM_001178133.2); short protein forms R339W.
Identifiers: ClinVar variation 241078 (VCV000241078.23), dbSNP rs773037813, ClinGen allele CA5667839.

ClinVar aggregate classification (germline): Conflicting classifications of pathogenicity. Review status: criteria provided, conflicting classifications (1 of 4 stars). 6 submissions from 6 submitters: Uncertain significance (5); Likely benign (1). Last evaluated 2025-11-10.

Conditions:
Joubert syndrome 32 (JBTS32). Identifiers: MedGen C4540342, MONDO:0033309, OMIM 617757.
Gorlin syndrome. Also called: Basal cell nevus syndrome; Nevoid Basal Cell Carcinoma Syndrome. Identifiers: Orphanet 377, MedGen C0004779, MONDO:0007187.
Medulloblastoma (MDB). Also called: MEDULLOBLASTOMA PREDISPOSITION SYNDROME; Medulloblastoma, somatic. Identifiers: Orphanet 616, MedGen C0025149, MeSH D008527, MONDO:0007959, OMIM 155255, HP:0002885.
Hereditary cancer-predisposing syndrome. Also called: Neoplastic Syndromes, Hereditary; Tumor predisposition; Hereditary neoplastic syndrome; Hereditary Cancer Syndrome. Identifiers: Orphanet 140162, MedGen C0027672, MeSH D009386, MONDO:0015356.
Familial meningioma. Also called: Meningioma, familial, susceptibility to. Identifiers: Orphanet 263662, MedGen C3551915, MONDO:0011789, OMIM 607174.

Allele frequency attached by ClinVar (database versions not stated): TOPMed below 0.00001; ExAC 0.00001; gnomAD 0.00001; gnomAD exomes 0.00001.
gnomAD v4.1: 18 of 1,613,952 alleles (0.0011%); highest among the groups gnomAD compares: Middle Eastern, 0.033%; no homozygotes.

Submissions (6):

Labcorp Genetics (formerly Invitae), Labcorp
Classification: Uncertain significance for Gorlin syndrome; Medulloblastoma. Last evaluated: 2025-11-10. Review status: criteria provided, single submitter. Criteria: Invitae Variant Classification Sherloc (09022015). Collection method: clinical testing. Allele origin: germline.
Comment: This sequence change replaces arginine, which is basic and polar, with tryptophan, which is neutral and slightly polar, at codon 339 of the SUFU protein (p.Arg339Trp). This variant is present in population databases (rs773037813, gnomAD 0.01%). This variant has not been reported in the literature in individuals affected with SUFU-related conditions. ClinVar contains an entry for this variant (Variation ID: 241078). Invitae Evidence Modeling of protein sequence and biophysical properties (such as structural, functional, and spatial information, amino acid conservation, physicochemical variation, residue mobility, and thermodynamic stability) indicates that this missense variant is not expected to disrupt SUFU protein function with a negative predictive value of 80%. In summary, the available evidence is currently insufficient to determine the role of this variant in disease. Therefore, it has been classified as a Variant of Uncertain Significance.

Ambry Genetics
Classification: Likely benign for Hereditary cancer-predisposing syndrome. Last evaluated: 2024-03-20. Review status: criteria provided, single submitter. Criteria: Ambry Variant Classification Scheme 2023. Collection method: clinical testing. Allele origin: germline.

Baylor Genetics
Classification: Uncertain significance for Familial meningioma. Last evaluated: 2023-09-06. Review status: criteria provided, single submitter. Criteria: ACMG Guidelines, 2015. Collection method: clinical testing. Allele origin: unknown.

GeneDx
Classification: Uncertain significance. Last evaluated: 2023-04-25. Review status: criteria provided, single submitter. Criteria: GeneDx Variant Classification Process June 2021. Collection method: clinical testing. Allele origin: germline. Affected: yes.
Comment: Not observed at significant frequency in large population cohorts (gnomAD); In silico analysis supports that this missense variant does not alter protein structure/function; Has not been previously published as pathogenic or benign to our knowledge; This variant is associated with the following publications: (PMID: 24311597)

Institute for Clinical Genetics, University Hospital TU Dresden, University Hospital TU Dresden
Classification: Uncertain significance. Last evaluated: 2021-11-03. Review status: criteria provided, single submitter. Criteria: ACMG Guidelines, 2015. Collection method: clinical testing. Allele origin: germline.

Genomic Research Center, Shahid Beheshti University of Medical Sciences
Classification: Uncertain significance for Joubert syndrome 32. Last evaluated: 2020-05-03. Review status: criteria provided, single submitter. Criteria: ACMG Guidelines, 2015. Collection method: clinical testing. Allele origin: unknown. Affected: yes.